The following is an entry in ClinVar:

ClinVar aggregate classification (germline): Benign/Likely benign. Review status: criteria provided, multiple submitters, no conflicts (2 of 4 stars). 12 submissions from 10 submitters: Benign (7); Likely benign (3). 2 of the submissions do not count toward it. Last evaluated 2026-02-02.

Conditions:
Atypical hemolytic-uremic syndrome. Identifiers: Orphanet 2134, MedGen C2931788, MONDO:0016244.
Complement component 3 deficiency. Identifiers: Orphanet 280133, MedGen C3151071, MONDO:0013417, OMIM 613779.
Age related macular degeneration 9. Identifiers: MedGen C1969651, MONDO:0012659, OMIM 611378.
Atypical hemolytic-uremic syndrome with C3 anomaly. Also called: AHUS, SUSCEPTIBILITY TO, 5. Identifiers: Orphanet 2134, MedGen C2752037, MONDO:0013043, OMIM 612925.

Allele frequency attached by ClinVar (database versions not stated): gnomAD exomes 0.00085 and 0.00227; ExAC 0.00283; 1000 Genomes Project 0.00779; 1000 Genomes Project 30x 0.00796; ESP Exome Variant Server 0.00900; gnomAD 0.00905 and 0.00979; TOPMed 0.00998.
gnomAD v4.1: 2,682 of 1,595,722 alleles (0.17%); highest among the groups gnomAD compares: African/African-American, 3.1%; 45 homozygotes.

Submissions (12):

Labcorp Genetics (formerly Invitae), Labcorp
Classification: Benign. Last evaluated: 2026-02-02. Review status: criteria provided, single submitter. Criteria: Invitae Variant Classification Sherloc (09022015). Collection method: clinical testing. Allele origin: germline.

Women's Health and Genetics/Laboratory Corporation of America, LabCorp
Classification: Benign. Last evaluated: 2026-01-22. Review status: criteria provided, single submitter. Criteria: LabCorp Variant Classification Summary - May 2015. Collection method: clinical testing. Allele origin: germline.

Mayo Clinic Laboratories, Mayo Clinic
Classification: Likely benign. Last evaluated: 2024-12-26. Review status: criteria provided, single submitter. Criteria: ACMG Guidelines, 2015. Collection method: clinical testing. Allele origin: germline. Observed: 64 variant alleles.
Comment: BS1, BP4

Blueprint Genetics
Classification: Likely benign. Last evaluated: 2024-11-25. Review status: criteria provided, single submitter. Criteria: ACMG Guidelines, 2015. Collection method: clinical testing. Allele origin: germline.

Genome Diagnostics Laboratory, The Hospital for Sick Children
Classification: Likely benign for Atypical hemolytic-uremic syndrome. Last evaluated: 2022-07-08. Review status: criteria provided, single submitter. Criteria: ACMG Guidelines, 2015. Collection method: clinical testing. Allele origin: germline.

Genetic Services Laboratory, University of Chicago
Classification: Benign. Last evaluated: 2018-08-03. Review status: criteria provided, single submitter. Criteria: ACMG Guidelines, 2015. Collection method: clinical testing. Allele origin: germline. Affected: no.

Illumina Laboratory Services, Illumina
Classification: Benign for Atypical hemolytic-uremic syndrome with C3 anomaly. Last evaluated: 2018-01-13. Review status: criteria provided, single submitter. Criteria: ICSL Variant Classification Criteria 13 December 2019. Collection method: clinical testing. Allele origin: germline.
Comment: This variant was observed in the ICSL laboratory as part of a predisposition screen in an ostensibly healthy population. It had not been previously curated by ICSL or reported in the Human Gene Mutation Database (HGMD: prior to June 1st, 2018), and was therefore a candidate for classification through an automated scoring system. Utilizing variant allele frequency, disease prevalence and penetrance estimates, and inheritance mode, an automated score was calculated to assess if this variant is too frequent to cause the disease. Based on the score and internal cut-off values, a variant classified as benign is not then subjected to further curation. The score for this variant resulted in a classification of benign for this disease.

Illumina Laboratory Services, Illumina
Classification: Benign for Complement component 3 deficiency. Last evaluated: 2018-01-13. Review status: criteria provided, single submitter. Criteria: ICSL Variant Classification Criteria 13 December 2019. Collection method: clinical testing. Allele origin: germline.
Comment: the same text as in the submission from Illumina Laboratory Services, Illumina above.

Illumina Laboratory Services, Illumina
Classification: Benign for Age related macular degeneration 9. Last evaluated: 2018-01-13. Review status: criteria provided, single submitter. Criteria: ICSL Variant Classification Criteria 13 December 2019. Collection method: clinical testing. Allele origin: germline.
Comment: the same text as in the submission from Illumina Laboratory Services, Illumina above.

Breakthrough Genomics
Classification: Benign. Review status: criteria provided, single submitter. Criteria: ACMG Guidelines, 2015. Collection method: not provided. Allele origin: germline. Inheritance: Autosomal recessive inheritance. Affected: yes.

Clinical Genetics DNA and cytogenetics Diagnostics Lab, Erasmus MC, Erasmus Medical Center
Classification: Benign. Review status: no assertion criteria provided. Collection method: clinical testing. Allele origin: germline. Affected: yes. Study: VKGL Data-share Consensus. Not counted in ClinVar's aggregate classification.

Joint Genome Diagnostic Labs from Nijmegen and Maastricht, Radboudumc and MUMC+
Classification: Likely benign. Review status: no assertion criteria provided. Collection method: clinical testing. Allele origin: germline. Affected: yes. Study: VKGL Data-share Consensus. Not counted in ClinVar's aggregate classification.

NM_000064.4(C3):c.4457-5C>T

Gene: C3 (complement C3; minus strand). Cytogenetic location: 19p13.3.
Variant type: single nucleotide variant.
Coding change: c.4457-5C>T on transcript NM_000064.4 (MANE Select); 5 bases into the intron before coding-DNA position 4457, C replaced by T.
Molecular consequence: intron variant.
Genome position (GRCh38, 1-based): chr19:6,679,501, G>A on the plus strand (C>T on the coding strand, the complement: C3 is on the minus strand). VCF-style: chr19-6679501-G-A. GRCh37 (hg19) VCF-style: chr19-6679512-G-A.
Other names: p.?; c.4457-5C>T (LRG_27t1).
Identifiers: ClinVar variation 330283 (VCV000330283.27), dbSNP rs344554, ClinGen allele CA9128381.